The following is an entry in ClinVar:

NM_001164508.2(NEB):c.23556G>A (p.Ser7852=)

Genes: NEB (nebulin; minus strand), RIF1 (replication timing regulatory factor 1; plus strand). Cytogenetic location: 2q23.3.
Variant type: single nucleotide variant.
Coding change: c.23556G>A on transcript NM_001164508.2 (MANE Select); coding-DNA position 23556, G replaced by A.
Protein change: p.Ser7852=; no amino-acid change (serine 7852 retained).
Molecular consequence: synonymous variant.
Genome position (GRCh38, 1-based): chr2:151,506,909, C>T on the plus strand (G>A on the coding strand, the complement: NEB is on the minus strand). VCF-style: chr2-151506909-C-T. GRCh37 (hg19) VCF-style: chr2-152363423-C-T.
Other names: c.23556G>A, p.Ser7852= (NM_001164507.2); c.23661G>A, p.Ser7887= (NM_001271208.2); c.18453G>A, p.Ser6151= (NM_004543.5).
Identifiers: ClinVar variation 1800766 (VCV001800766.4), dbSNP rs769787871, ClinGen allele CA1906331.

ClinVar aggregate classification (germline): Conflicting classifications of pathogenicity. Review status: criteria provided, conflicting classifications (1 of 4 stars). 3 submissions from 3 submitters: Uncertain significance (2); Likely benign (1). Last evaluated 2022-08-27.

Conditions:
Nemaline myopathy 2 (NEM2). Also called: Nemaline myopathy 2, autosomal recessive. Identifiers: MedGen C1850569, MONDO:0009725, OMIM 256030.
Arthrogryposis multiplex congenita 6. Identifiers: MedGen C5543431, MONDO:0030281, OMIM 619334.

Allele frequency attached by ClinVar (database versions not stated): gnomAD exomes below 0.00001; TOPMed below 0.00001; ExAC 0.00001.
gnomAD v4.1: 5 of 1,581,460 alleles (0.00032%); highest among the groups gnomAD compares: East Asian, 0.0022%; no homozygotes.

Submissions (3):

Labcorp Genetics (formerly Invitae), Labcorp
Classification: Likely benign for Nemaline myopathy 2. Last evaluated: 2022-08-27. Review status: criteria provided, single submitter. Criteria: Invitae Variant Classification Sherloc (09022015). Collection method: clinical testing. Allele origin: germline.

GeneDx
Classification: Uncertain significance. Last evaluated: 2022-05-16. Review status: criteria provided, single submitter. Criteria: GeneDx Variant Classification Process June 2021. Collection method: clinical testing. Allele origin: germline. Affected: yes.
Comment: Not observed at significant frequency in large population cohorts (gnomAD); In silico analysis supports that this variant does not alter splicing; Has not been previously published as pathogenic or benign to our knowledge

Department of Pathology and Laboratory Medicine, Sinai Health System
Classification: Uncertain significance for Nemaline myopathy 2; Arthrogryposis multiplex congenita 6. Last evaluated: 2021-12-13. Review status: criteria provided, single submitter. Criteria: ACMG Guidelines, 2015. Collection method: research. Allele origin: germline.